The following is an entry in ClinVar:

ClinVar aggregate classification (germline): Uncertain significance (1 of 4 stars; one submission).

gnomAD v4.1: 2 of 1,613,020 alleles (0.00012%); highest among the groups gnomAD compares: Non-Finnish European, 0.00017%; no homozygotes.

Submission:

Women's Health and Genetics/Laboratory Corporation of America, LabCorp
Classification: Uncertain significance. Last evaluated: 2025-07-18. Review status: criteria provided, single submitter. Criteria: LabCorp Variant Classification Summary - May 2015. Collection method: clinical testing. Allele origin: germline.
Comment: Variant summary: PLOD1 c.1360A>T (p.Ile454Phe) results in a non-conservative amino acid change in the encoded protein sequence. Algorithms developed to predict the effect of missense changes on protein structure and function are either unavailable or do not agree on the potential impact of this missense change. The variant was absent in 251044 control chromosomes. The available data on variant occurrences in the general population are insufficient to allow any conclusion about variant significance. To our knowledge, no occurrence of c.1360A>T in individuals affected with Ehlers-Danlos syndrome, kyphoscoliotic type 1 and no experimental evidence demonstrating its impact on protein function have been reported. No submitters have cited clinical-significance assessments for this variant to ClinVar. Based on the evidence outlined above, the variant was classified as uncertain significance.

NM_000302.4(PLOD1):c.1360A>T (p.Ile454Phe)

Gene: PLOD1 (procollagen-lysine,2-oxoglutarate 5-dioxygenase 1; plus strand). Cytogenetic location: 1p36.22.
Variant type: single nucleotide variant.
Coding change: c.1360A>T on transcript NM_000302.4 (MANE Select); coding-DNA position 1360, A replaced by T.
Protein change: p.Ile454Phe; replaces isoleucine 454 with phenylalanine.
Molecular consequence: missense variant.
Genome position (GRCh38, 1-based): chr1:11,964,675, A>T. VCF-style: chr1-11964675-A-T. GRCh37 (hg19) VCF-style: chr1-12024732-A-T.
Other names: c.1501A>T, p.Ile501Phe (NM_001316320.2); short protein forms I454F, I501F.
Identifiers: ClinVar variation 4525772 (VCV004525772.1).
Genomic context (GRCh38, chr1:11,964,675, plus strand): 5'-CCCCCACCCGCTTTCTGTCTCTCCCACAGTGGTGTCTGGAATGTGCCCTATATTTCAAAC[A>T]TCTACTTGATCAAGGGCAGTGCCCTGCGGGGTGAGCTGCAGTCCTCAGATCTCTTCCACC-3'
Protein context (NP_000293.2, residues 444-464): GVWNVPYISN[Ile454Phe]YLIKGSALRG